The following is an entry in ClinVar:

ClinVar aggregate classification (germline): Uncertain significance (1 of 4 stars; one submission).

Conditions:
Cardiovascular phenotype. Identifiers: MedGen CN230736.

Submission:

Ambry Genetics
Classification: Uncertain significance for Cardiovascular phenotype. Last evaluated: 2026-09-11. Review status: criteria provided, single submitter. Criteria: Ambry Variant Classification Scheme 2023. Collection method: clinical testing. Allele origin: germline.
Comment: The p.I1630N variant (also known as c.4889T>A), located in coding exon 26 of the APOB gene, results from a T to A substitution at nucleotide position 4889. The isoleucine at codon 1630 is replaced by asparagine, an amino acid with dissimilar properties. This amino acid position is conserved. In addition, this alteration is predicted to be tolerated by in silico analysis. Based on the available evidence, the clinical significance of this variant remains unclear.

NM_000384.3(APOB):c.4889T>A (p.Ile1630Asn)

Gene: APOB (apolipoprotein B; minus strand). Cytogenetic location: 2p24.1.
Variant type: single nucleotide variant.
Coding change: c.4889T>A on transcript NM_000384.3 (MANE Select); coding-DNA position 4889, T replaced by A.
Protein change: p.Ile1630Asn; replaces isoleucine 1630 with asparagine.
Molecular consequence: missense variant.
Genome position (GRCh38, 1-based): chr2:21,011,979, A>T on the plus strand (T>A on the coding strand, the complement: APOB is on the minus strand). VCF-style: chr2-21011979-A-T. GRCh37 (hg19) VCF-style: chr2-21234851-A-T.
Other names: short protein forms I1630N.
Identifiers: ClinVar variation 2335326 (VCV002335326.3), dbSNP rs1663336908, ClinGen allele CA346005905.